The following is an entry in ClinVar:

ClinVar aggregate classification (germline): Uncertain significance (1 of 4 stars; one submission).

Submission:

GeneDx
Classification: Uncertain significance. Last evaluated: 2022-10-27. Review status: criteria provided, single submitter. Criteria: GeneDx Variant Classification Process June 2021. Collection method: clinical testing. Allele origin: germline. Affected: yes.
Comment: In-frame deletion of 1 amino acid in a non-repeat region; Not observed at significant frequency in large population cohorts (gnomAD); In silico analysis supports a deleterious effect on protein structure/function; De novo variant with confirmed parentage; however, the reported clinical features are only partially consistent with the features typically observed in individuals with pathogenic variants in this gene; Has not been previously published as pathogenic or benign to our knowledge

NM_013275.6(ANKRD11):c.7940_7942del (p.Phe2647del)

Gene: ANKRD11 (ankyrin repeat domain containing 11; minus strand). Cytogenetic location: 16q24.3.
Variant type: Deletion.
Coding change: c.7940_7942del on transcript NM_013275.6 (MANE Select); coding-DNA positions 7940 to 7942, 3 bases deleted (TCT; older notation c.7940_7942delTCT).
Protein change: p.Phe2647del; deletes phenylalanine 2647.
Molecular consequence: inframe deletion.
Genome position (GRCh38, 1-based): chr16:89,268,528-89,268,530, AGA deleted on the plus strand (TCT on the coding strand, the reverse complement: ANKRD11 is on the minus strand); deleting any 3 consecutive bases within chr16:89,268,528-89,268,532 gives the same sequence; the c. name uses the placement nearest the transcript's 3' end. VCF-style (leftmost placement, unchanged base first): chr16-89268527-TAGA-T. GRCh37 (hg19) VCF-style: chr16-89334935-TAGA-T.
Other names: c.7940_7942del, p.Phe2647del (NM_001256182.2, NM_001256183.2); short protein forms F2647del.
Identifiers: ClinVar variation 1704827 (VCV001704827.2), dbSNP rs2544116673, ClinGen allele CA2580092257.